The following is an entry in ClinVar:

ClinVar aggregate classification (germline): Likely benign. Review status: criteria provided, multiple submitters, no conflicts (2 of 4 stars). 5 submissions from 5 submitters: Likely benign (5). Last evaluated 2025-12-29.

Conditions:
Hereditary cancer-predisposing syndrome. Also called: Hereditary Cancer Syndrome; Hereditary neoplastic syndrome; Neoplastic Syndromes, Hereditary; Tumor predisposition. Identifiers: Orphanet 140162, MedGen C0027672, MeSH D009386, MONDO:0015356.

Allele frequency attached by ClinVar (database versions not stated): ExAC 0.00001; gnomAD 0.00002; gnomAD exomes 0.00002; TOPMed 0.00002.
gnomAD v4.1: 22 of 1,613,298 alleles (0.0014%); highest among the groups gnomAD compares: Middle Eastern, 0.033%; 1 homozygote.

Submissions (5):

Center for Genomic Medicine, Rigshospitalet, Copenhagen University Hospital
Classification: Likely benign. Last evaluated: 2025-12-29. Review status: criteria provided, single submitter. Criteria: ACMG Guidelines, 2015. Collection method: clinical testing. Allele origin: germline.

Labcorp Genetics (formerly Invitae), Labcorp
Classification: Likely benign. Last evaluated: 2025-12-06. Review status: criteria provided, single submitter. Criteria: Invitae Variant Classification Sherloc (09022015). Collection method: clinical testing. Allele origin: germline.

GeneDx
Classification: Likely benign. Last evaluated: 2019-11-21. Review status: criteria provided, single submitter. Criteria: GeneDx Variant Classification Process June 2021. Collection method: clinical testing. Allele origin: germline. Affected: yes.
Comment: This variant is associated with the following publications: (PMID: 28577310)

Ambry Genetics
Classification: Likely benign for Hereditary cancer-predisposing syndrome. Last evaluated: 2015-10-23. Review status: criteria provided, single submitter. Criteria: Ambry Variant Classification Scheme 2023. Collection method: clinical testing. Allele origin: germline.

Breakthrough Genomics
Classification: Likely benign. Review status: criteria provided, single submitter. Criteria: ACMG Guidelines, 2015. Collection method: not provided. Allele origin: germline. Inheritance: Autosomal recessive inheritance. Affected: yes.

NM_006231.4(POLE):c.6072C>T (p.Pro2024=)

Gene: POLE (DNA polymerase epsilon, catalytic subunit; minus strand). Cytogenetic location: 12q24.33.
Variant type: single nucleotide variant.
Coding change: c.6072C>T on transcript NM_006231.4 (MANE Select); coding-DNA position 6072, C replaced by T.
Protein change: p.Pro2024=; no amino-acid change (proline 2024 retained).
Molecular consequence: synonymous variant.
Genome position (GRCh38, 1-based): chr12:132,632,728, G>A on the plus strand (C>T on the coding strand, the complement: POLE is on the minus strand). VCF-style: chr12-132632728-G-A. GRCh37 (hg19) VCF-style: chr12-133209314-G-A.
Identifiers: ClinVar variation 386947 (VCV000386947.21), dbSNP rs768531930, ClinGen allele CA6892287.